The following is an entry in ClinVar:

NM_000492.4(CFTR):c.1073T>C (p.Val358Ala)

Gene: CFTR (CF transmembrane conductance regulator; plus strand). Cytogenetic location: 7q31.2.
Variant type: single nucleotide variant.
Coding change: c.1073T>C on transcript NM_000492.4 (MANE Select); coding-DNA position 1073, T replaced by C.
Protein change: p.Val358Ala; replaces valine 358 with alanine.
Molecular consequence: missense variant.
Genome position (GRCh38, 1-based): chr7:117,540,303, T>C. VCF-style: chr7-117540303-T-C. GRCh37 (hg19) VCF-style: chr7-117180357-T-C.
Other names: short protein forms V358A.
Identifiers: ClinVar variation 1784225 (VCV001784225.5), dbSNP rs996758542, ClinGen allele CA164954011.

ClinVar aggregate classification (germline): Uncertain significance. Review status: criteria provided, multiple submitters, no conflicts (2 of 4 stars). 2 submissions from 2 submitters: Uncertain significance (2). Last evaluated 2024-07-01.

Conditions:
Cystic fibrosis (CF). Also called: MUCOVISCIDOSIS. Identifiers: Orphanet 586, MedGen C0010674, MONDO:0009061, OMIM 219700. Disease mechanism: loss of function.

Allele frequency attached by ClinVar (database versions not stated): gnomAD exomes below 0.00001; TOPMed below 0.00001.
gnomAD v4.1: 1 of 1,614,000 alleles (0.000062%); highest among the groups gnomAD compares: South Asian, 0.0011%; no homozygotes.

Submissions (2):

Labcorp Genetics (formerly Invitae), Labcorp
Classification: Uncertain significance for Cystic fibrosis. Last evaluated: 2024-07-01. Review status: criteria provided, single submitter. Criteria: Invitae Variant Classification Sherloc (09022015). Collection method: clinical testing. Allele origin: germline.
Comment: This sequence change replaces valine, which is neutral and non-polar, with alanine, which is neutral and non-polar, at codon 358 of the CFTR protein (p.Val358Ala). This variant is not present in population databases (gnomAD no frequency). This variant has not been reported in the literature in individuals affected with CFTR-related conditions. ClinVar contains an entry for this variant (Variation ID: 1784225). Advanced modeling of protein sequence and biophysical properties (such as structural, functional, and spatial information, amino acid conservation, physicochemical variation, residue mobility, and thermodynamic stability) performed at Invitae indicates that this missense variant is expected to disrupt CFTR protein function with a positive predictive value of 80%. In summary, the available evidence is currently insufficient to determine the role of this variant in disease. Therefore, it has been classified as a Variant of Uncertain Significance.

Ambry Genetics
Classification: Uncertain significance for Cystic fibrosis. Last evaluated: 2022-10-20. Review status: criteria provided, single submitter. Criteria: Ambry Variant Classification Scheme 2023. Collection method: clinical testing. Allele origin: germline.
Comment: The p.V358A variant (also known as c.1073T>C), located in coding exon 8 of the CFTR gene, results from a T to C substitution at nucleotide position 1073. The valine at codon 358 is replaced by alanine, an amino acid with similar properties. This amino acid position is well conserved in available vertebrate species. In addition, this alteration is predicted to be deleterious by in silico analysis. Since supporting evidence is limited at this time, the clinical significance of this alteration remains unclear.